The following is an entry in ClinVar:

ClinVar aggregate classification (germline): Likely pathogenic (1 of 4 stars; one submission).

Allele frequency attached by ClinVar (database versions not stated): TOPMed below 0.00001; ExAC 0.00001; gnomAD 0.00001; gnomAD exomes 0.00001.
gnomAD v4.1: 19 of 1,614,020 alleles (0.0012%); highest among the groups gnomAD compares: Middle Eastern, 0.016%; no homozygotes.

Submission:

Labcorp Genetics (formerly Invitae), Labcorp
Classification: Likely pathogenic. Last evaluated: 2025-01-15. Review status: criteria provided, single submitter. Criteria: Invitae Variant Classification Sherloc (09022015). Collection method: clinical testing. Allele origin: germline.
Comment: This sequence change replaces arginine, which is basic and polar, with histidine, which is basic and polar, at codon 219 of the CA4 protein (p.Arg219His). This variant is present in population databases (rs769858478, gnomAD 0.003%). This missense change has been observed in individuals with clinical features of inherited retinal dystrophy (internal data). ClinVar contains an entry for this variant (Variation ID: 1024689). Invitae Evidence Modeling of protein sequence and biophysical properties (such as structural, functional, and spatial information, amino acid conservation, physicochemical variation, residue mobility, and thermodynamic stability) indicates that this missense variant is expected to disrupt CA4 protein function with a positive predictive value of 80%. This variant disrupts the p.Arg219 amino acid residue in CA4. Other variant(s) that disrupt this residue have been determined to be pathogenic (PMID: 15563508, 19211803). This suggests that this residue is clinically significant, and that variants that disrupt this residue are likely to be disease-causing. In summary, the currently available evidence indicates that the variant is pathogenic, but additional data are needed to prove that conclusively. Therefore, this variant has been classified as Likely Pathogenic.

Literature cited by the submitters: PubMed 15563508; PubMed 19211803.

NM_000717.5(CA4):c.656G>A (p.Arg219His)

Gene: CA4 (carbonic anhydrase 4; plus strand). Cytogenetic location: 17q23.1.
Variant type: single nucleotide variant.
Coding change: c.656G>A on transcript NM_000717.5 (MANE Select); coding-DNA position 656, G replaced by A.
Protein change: p.Arg219His; replaces arginine 219 with histidine.
Molecular consequence: missense variant. On other transcripts: non-coding transcript variant (1).
Genome position (GRCh38, 1-based): chr17:60,158,358, G>A. VCF-style: chr17-60158358-G-A. GRCh37 (hg19) VCF-style: chr17-58235719-G-A.
Other names: short protein forms R219H.
Identifiers: ClinVar variation 1024689 (VCV001024689.8), dbSNP rs769858478, ClinGen allele CA8685477.